The following is an entry in ClinVar:

ClinVar aggregate classification (germline): Uncertain significance (1 of 4 stars; one submission).

Allele frequency attached by ClinVar (database versions not stated): gnomAD exomes below 0.00001; gnomAD 0.00001; TOPMed 0.00002.
gnomAD v4.1: 3 of 1,611,798 alleles (0.00019%); highest among the groups gnomAD compares: African/African-American, 0.004%; no homozygotes.

Submission:

Labcorp Genetics (formerly Invitae), Labcorp
Classification: Uncertain significance. Last evaluated: 2022-07-05. Review status: criteria provided, single submitter. Criteria: Invitae Variant Classification Sherloc (09022015). Collection method: clinical testing. Allele origin: germline.
Comment: In summary, the available evidence is currently insufficient to determine the role of this variant in disease. Therefore, it has been classified as a Variant of Uncertain Significance. Algorithms developed to predict the effect of missense changes on protein structure and function output the following: SIFT: "Tolerated"; PolyPhen-2: "Benign"; Align-GVGD: "Class C0". The leucine amino acid residue is found in multiple mammalian species, which suggests that this missense change does not adversely affect protein function. ClinVar contains an entry for this variant (Variation ID: 1374983). This variant has not been reported in the literature in individuals affected with CD46-related conditions. The frequency data for this variant in the population databases is considered unreliable, as metrics indicate poor data quality at this position in the gnomAD database. This sequence change replaces proline, which is neutral and non-polar, with leucine, which is neutral and non-polar, at codon 112 of the CD46 protein (p.Pro112Leu).

NM_172351.3(CD46):c.335C>T (p.Pro112Leu)

Gene: CD46 (CD46 molecule; plus strand). Cytogenetic location: 1q32.2.
Variant type: single nucleotide variant.
Coding change: c.335C>T on transcript NM_172351.3 (MANE Select); coding-DNA position 335, C replaced by T.
Protein change: p.Pro112Leu; replaces proline 112 with leucine.
Molecular consequence: missense variant.
Genome position (GRCh38, 1-based): chr1:207,757,588, C>T. VCF-style: chr1-207757588-C-T. GRCh37 (hg19) VCF-style: chr1-207930933-C-T.
Other names: c.335C>T, p.Pro112Leu (NM_002389.4, NM_153826.4, NM_172350.3 and 8 more transcripts); short protein forms P112L.
Identifiers: ClinVar variation 1374983 (VCV001374983.8), dbSNP rs1420887927, ClinGen allele CA344548436.